The following is an entry in ClinVar:

ClinVar aggregate classification (germline): Likely benign. Review status: criteria provided, multiple submitters, no conflicts (2 of 4 stars). 2 submissions from 2 submitters: Likely benign (2). Last evaluated 2026-05-13.

Conditions:
ATP8B1-related disorder. Also called: ATP8B1-related condition; ATP8B1-related disorders.

Allele frequency attached by ClinVar (database versions not stated): TOPMed 0.00001.

Submissions (2):

PreventionGenetics, part of Exact Sciences
Classification: Likely benign for ATP8B1-related condition. Last evaluated: 2026-05-13. Review status: criteria provided, single submitter. Criteria: ACMG Guidelines, 2015. Collection method: clinical testing. Allele origin: germline.
Comment: This variant is classified as likely benign based on ACMG/AMP sequence variant interpretation guidelines (Richards et al. 2015 PMID: 25741868, with internal and published modifications).

Labcorp Genetics (formerly Invitae), Labcorp
Classification: Likely benign. Last evaluated: 2023-05-14. Review status: criteria provided, single submitter. Criteria: Invitae Variant Classification Sherloc (09022015). Collection method: clinical testing. Allele origin: germline.

NM_001374385.1(ATP8B1):c.3735C>T (p.Tyr1245=)

Genes: ATP8B1-AS1 (ATP8B1 antisense RNA 1; plus strand), ATP8B1 (ATPase phospholipid transporting 8B1; minus strand). Cytogenetic location: 18q21.31.
Variant type: single nucleotide variant.
Coding change: c.3735C>T on transcript NM_001374385.1 (MANE Select); coding-DNA position 3735, C replaced by T.
Protein change: p.Tyr1245=; no amino-acid change (tyrosine 1245 retained).
Molecular consequence: synonymous variant.
Genome position (GRCh38, 1-based): chr18:57,648,509, G>A on the plus strand (C>T on the coding strand, the complement: ATP8B1 is on the minus strand). VCF-style: chr18-57648509-G-A. GRCh37 (hg19) VCF-style: chr18-55315741-G-A.
Other names: c.3735C>T (NM_005603.4); c.3585C>T, p.Tyr1195= (NM_001374386.1); c.3735C>T, p.Tyr1245= (NM_005603.6).
Identifiers: ClinVar variation 3001495 (VCV003001495.4), dbSNP rs1909334367, ClinGen allele CA504012781.